The following is an entry in ClinVar:

ClinVar aggregate classification (germline): Pathogenic. Review status: criteria provided, multiple submitters, no conflicts (2 of 4 stars). 2 submissions from 2 submitters: Pathogenic (2). Last evaluated 2024-05-20.

Conditions:
Vici syndrome (VICIS). Identifiers: Orphanet 1493, MedGen C1855772, MONDO:0009452, OMIM 242840.

Submissions (2):

GeneDx
Classification: Pathogenic. Last evaluated: 2024-05-20. Review status: criteria provided, single submitter. Criteria: GeneDx Variant Classification Process June 2021. Collection method: clinical testing. Allele origin: germline. Affected: yes.
Comment: Frameshift variant predicted to result in protein truncation or nonsense mediated decay in a gene for which loss of function is a known mechanism of disease; Not observed at significant frequency in large population cohorts (gnomAD); Has not been previously published as pathogenic or benign to our knowledge

Labcorp Genetics (formerly Invitae), Labcorp
Classification: Pathogenic for Vici syndrome. Last evaluated: 2024-02-23. Review status: criteria provided, single submitter. Criteria: Invitae Variant Classification Sherloc (09022015). Collection method: clinical testing. Allele origin: germline.
Comment: This sequence change creates a premature translational stop signal (p.Ser35Valfs*17) in the EPG5 gene. It is expected to result in an absent or disrupted protein product. Loss-of-function variants in EPG5 are known to be pathogenic (PMID: 23222957, 23674064). This variant is not present in population databases (gnomAD no frequency). This variant has not been reported in the literature in individuals affected with EPG5-related conditions. For these reasons, this variant has been classified as Pathogenic.

Literature cited by the submitters: PubMed 23222957 (cited by Labcorp Genetics (formerly Invitae), Labcorp); PubMed 23674064 (cited by Labcorp Genetics (formerly Invitae), Labcorp).

NM_020964.3(EPG5):c.102del (p.Ser35fs)

Gene: EPG5 (ectopic P-granules 5 autophagy tethering factor; minus strand). Cytogenetic location: 18q21.1.
Variant type: Deletion.
Coding change: c.102del on transcript NM_020964.3 (MANE Select); coding-DNA position 102, one base deleted (C; older notation c.102delC).
Protein change: p.Ser35fs; shifts the reading frame from serine 35.
Molecular consequence: frameshift variant.
Genome position (GRCh38, 1-based): chr18:45,955,300, G deleted on the plus strand (C on the coding strand, the reverse complement: EPG5 is on the minus strand); the first of 2 consecutive G bases (chr18:45,955,300-45,955,301); deleting either gives the same sequence. VCF-style (leftmost placement, unchanged base first): chr18-45955299-TG-T. GRCh37 (hg19) VCF-style: chr18-43535265-TG-T.
Other names: c.102del, p.Ser35fs (NM_001410858.1, NM_001410859.1); c.102del (NM_020964.2); short protein forms S35fs.
Identifiers: ClinVar variation 2761937 (VCV002761937.4), dbSNP rs2512132869, ClinGen allele CA2697555469.
Genomic context (GRCh38, chr18:45,955,299, plus strand): 5'-ATTCACAGGCTAGAGAAGGGATTTCCTGCTCTCTGGAGGTTTTTGGAAGGGAGACTTCAC[TG>T]GACTCTTCCCTCTGAGGAGTTTCATACTTCTTCTTTTCCTAAAAACAACATACATAATGT-3'